The following is an entry in ClinVar:

NM_016333.4(SRRM2):c.1495A>G (p.Thr499Ala)

Gene: SRRM2 (serine/arginine repetitive matrix 2; plus strand). Cytogenetic location: 16p13.3.
Variant type: single nucleotide variant.
Coding change: c.1495A>G on transcript NM_016333.4 (MANE Select); coding-DNA position 1495, A replaced by G.
Protein change: p.Thr499Ala; replaces threonine 499 with alanine.
Molecular consequence: missense variant.
Genome position (GRCh38, 1-based): chr16:2,762,023, A>G. VCF-style: chr16-2762023-A-G. GRCh37 (hg19) VCF-style: chr16-2812024-A-G.
Other names: short protein forms T499A.
Identifiers: ClinVar variation 2636913 (VCV002636913.3), dbSNP rs148626031, ClinGen allele CA7847285.

ClinVar aggregate classification (germline): Uncertain significance. Review status: criteria provided, multiple submitters, no conflicts (2 of 4 stars). 2 submissions from 2 submitters: Uncertain significance (2). Last evaluated 2025-07-03.

Conditions:
SRRM2-related disorder. Also called: SRRM2-related condition.

Allele frequency attached by ClinVar (database versions not stated): TOPMed below 0.00001; gnomAD 0.00001; ESP Exome Variant Server 0.00008.
gnomAD v4.1: 6 of 1,614,002 alleles (0.00037%); highest among the groups gnomAD compares: African/African-American, 0.008%; no homozygotes.

Submissions (2):

Dasa
Classification: Uncertain significance. Last evaluated: 2025-07-03. Review status: criteria provided, single submitter. Criteria: DASA Assertion Criteria. Collection method: clinical testing. Allele origin: germline.
Comment: NM_016333.4(SRRM2):c.1495A>G (p.Thr499Ala) is a missense variant that results in the substitution of threonine with alanine. This variant is rare in population databases. Computational prediction algorithms are consistent with a benign effect. The currently available literature and clinical evidence are not sufficient to establish a definitive association between this variant and the reported condition. Therefore, this variant is classified as a variant of uncertain significance.

PreventionGenetics, part of Exact Sciences
Classification: Uncertain significance for SRRM2-related condition. Last evaluated: 2023-05-17. Review status: criteria provided, single submitter. Criteria: ACMG Guidelines, 2015. Collection method: clinical testing. Allele origin: germline.
Comment: The SRRM2 c.1495A>G variant is predicted to result in the amino acid substitution p.Thr499Ala. To our knowledge, this variant has not been reported in the literature. This variant is reported in 0.0062% of alleles in individuals of African descent in gnomAD. At this time, the clinical significance of this variant is uncertain due to the absence of conclusive functional and genetic evidence.